The following is an entry in ClinVar:

ClinVar aggregate classification (germline): Uncertain significance (1 of 4 stars; one submission).

Submission:

GeneDx
Classification: Uncertain significance. Last evaluated: 2025-02-05. Review status: criteria provided, single submitter. Criteria: GeneDx Variant Classification Process June 2021. Collection method: clinical testing. Allele origin: germline. Affected: yes.
Comment: Not observed at significant frequency in large population cohorts (gnomAD); In silico analysis indicates that this missense variant does not alter protein structure/function; Has not been previously published as pathogenic or benign to our knowledge

NM_021120.4(DLG3):c.2278T>C (p.Tyr760His)

Gene: DLG3 (discs large MAGUK scaffold protein 3; plus strand). Cytogenetic location: Xq13.1.
Variant type: single nucleotide variant.
Coding change: c.2278T>C on transcript NM_021120.4 (MANE Select); coding-DNA position 2278, T replaced by C.
Protein change: p.Tyr760His; replaces tyrosine 760 with histidine.
Molecular consequence: missense variant.
Genome position (GRCh38, 1-based): chrX:70,500,920, T>C. VCF-style: chrX-70500920-T-C. GRCh37 (hg19) VCF-style: chrX-69720770-T-C.
Other names: c.925T>C, p.Tyr309His (NM_001166278.2); c.1363T>C, p.Tyr455His (NM_020730.3); short protein forms Y309H, Y455H, Y760H.
Identifiers: ClinVar variation 4074346 (VCV004074346.1).
Genomic context (GRCh38, chrX:70,500,920, plus strand): 5'-GATCTGGTTCAGAACTATTTTTCTTCTGTCTTTGGCAGGGAAATGAACCGAAGGCAGACA[T>C]ATGAACAAGCAAATAAGATCTATGACAAAGCCATGAAACTGGAGCAGGAATTTGGAGAGT-3'
Protein context (NP_066943.2, residues 750-770): ALMEMNRRQT[Tyr760His]EQANKIYDKA